The following is an entry in ClinVar:

NM_001371623.1(TCOF1):c.1999dup (p.Arg667fs)

Gene: TCOF1 (treacle ribosome biogenesis factor 1; plus strand). Cytogenetic location: 5q32.
Variant type: Duplication.
Coding change: c.1999dup on transcript NM_001371623.1 (MANE Select); coding-DNA position 1999, one base duplicated (C; older notation c.1999dupC).
Protein change: p.Arg667fs; shifts the reading frame from arginine 667.
Molecular consequence: frameshift variant.
Genome position (GRCh38, 1-based): chr5:150,376,187, C duplicated; the last of 6 consecutive C bases (chr5:150,376,182-150,376,187); duplicating any one gives the same sequence. VCF-style (leftmost placement, unchanged base first): chr5-150376181-G-GC. GRCh37 (hg19) VCF-style: chr5-149755744-G-GC.
Other names: c.1768dup, p.Arg590fs (NM_000356.4, NM_001135245.2); c.1999dup, p.Arg667fs (NM_001008657.3, NM_001135243.2, NM_001135244.2 and 1 more transcripts); short protein forms R667fs, R590fs.
Identifiers: ClinVar variation 1459153 (VCV001459153.6), dbSNP rs2150734334, ClinGen allele CA563956759.

ClinVar aggregate classification (germline): Pathogenic (1 of 4 stars; one submission).

Conditions:
Treacher Collins syndrome 1 (TCS1). Also called: TCOF1-Related Treacher Collins Syndrome. Identifiers: Orphanet 861, MedGen CN315775, MONDO:0007944, OMIM 154500.

Submission:

Labcorp Genetics (formerly Invitae), Labcorp
Classification: Pathogenic for Treacher Collins syndrome 1. Last evaluated: 2021-11-21. Review status: criteria provided, single submitter. Criteria: Invitae Variant Classification Sherloc (09022015). Collection method: clinical testing. Allele origin: germline.
Comment: For these reasons, this variant has been classified as Pathogenic. This variant is also known as c.1768insC, c.1999_2000insC. This premature translational stop signal has been observed in individual(s) with Treacher Collins syndrome (PMID: 15340364, 33332773). This variant is not present in population databases (gnomAD no frequency). This sequence change creates a premature translational stop signal (p.Arg667Profs*31) in the TCOF1 gene. It is expected to result in an absent or disrupted protein product. Loss-of-function variants in TCOF1 are known to be pathogenic (PMID: 8894686, 22317976).

Literature cited by the submitters: PubMed 15340364; PubMed 33332773; PubMed 8894686; PubMed 22317976.